The following is an entry in ClinVar:

ClinVar aggregate classification (germline): Uncertain significance (1 of 4 stars; one submission).

Conditions:
Cardiovascular phenotype. Identifiers: MedGen CN230736.

Submission:

Ambry Genetics
Classification: Uncertain significance for Cardiovascular phenotype. Last evaluated: 2021-07-22. Review status: criteria provided, single submitter. Criteria: Ambry Variant Classification Scheme 2023. Collection method: clinical testing. Allele origin: germline.
Comment: The p.P73L variant (also known as c.218C>T), located in coding exon 1 of the FOXE3 gene, results from a C to T substitution at nucleotide position 218. The proline at codon 73 is replaced by leucine, an amino acid with similar properties. This amino acid position is conserved. In addition, this alteration is predicted to be deleterious by in silico analysis. Since supporting evidence is limited at this time, the clinical significance of this alteration remains unclear.

NM_012186.3(FOXE3):c.218C>T (p.Pro73Leu)

Genes: FOXE3 (forkhead box E3; plus strand), LINC01389 (long intergenic non-protein coding RNA 1389; minus strand). Cytogenetic location: 1p33.
Variant type: single nucleotide variant.
Coding change: c.218C>T on transcript NM_012186.3 (MANE Select); coding-DNA position 218, C replaced by T.
Protein change: p.Pro73Leu; replaces proline 73 with leucine.
Molecular consequence: missense variant.
Genome position (GRCh38, 1-based): chr1:47,416,533, C>T. VCF-style: chr1-47416533-C-T. GRCh37 (hg19) VCF-style: chr1-47882205-C-T.
Other names: short protein forms P73L.
Identifiers: ClinVar variation 1787397 (VCV001787397.2), dbSNP rs2521316591, ClinGen allele CA340249266.
Genomic context (GRCh38, chr1:47,416,533, plus strand): 5'-CCACGCCCGCGCCCGGCCCGGGGCGGCGGCGGCGGCGGCCCCTGCAGCGCGGGAAGCCGC[C>T]CTACTCGTACATCGCGCTCATCGCCATGGCTCTGGCGCACGCCCCGGGCCGCCGCCTCAC-3'
Protein context (NP_036318.1, residues 63-83): RRRPLQRGKP[Pro73Leu]YSYIALIAMA